The following is an entry in ClinVar:

ClinVar aggregate classification (germline): Uncertain significance (1 of 4 stars; one submission).

Conditions:
Aortic valve disease 2 (AOVD2). Identifiers: MedGen C3542024, MONDO:0013902, OMIM 614823.

Submission:

Labcorp Genetics (formerly Invitae), Labcorp
Classification: Uncertain significance for Aortic valve disease 2. Last evaluated: 2024-04-25. Review status: criteria provided, single submitter. Criteria: Invitae Variant Classification Sherloc (09022015). Collection method: clinical testing. Allele origin: germline.
Comment: This sequence change replaces proline, which is neutral and non-polar, with alanine, which is neutral and non-polar, at codon 47 of the SMAD6 protein (p.Pro47Ala). This variant is not present in population databases (gnomAD no frequency). This variant has not been reported in the literature in individuals affected with SMAD6-related conditions. Algorithms developed to predict the effect of missense changes on protein structure and function output the following: SIFT: "Not Available"; PolyPhen-2: "Benign"; Align-GVGD: "Not Available". The alanine amino acid residue is found in multiple mammalian species, which suggests that this missense change does not adversely affect protein function. In summary, the available evidence is currently insufficient to determine the role of this variant in disease. Therefore, it has been classified as a Variant of Uncertain Significance.

NM_005585.5(SMAD6):c.139C>G (p.Pro47Ala)

Gene: SMAD6 (SMAD family member 6; plus strand). Cytogenetic location: 15q22.31.
Variant type: single nucleotide variant.
Coding change: c.139C>G on transcript NM_005585.5 (MANE Select); coding-DNA position 139, C replaced by G.
Protein change: p.Pro47Ala; replaces proline 47 with alanine.
Molecular consequence: missense variant. On other transcripts: non-coding transcript variant (1).
Genome position (GRCh38, 1-based): chr15:66,703,397, C>G. VCF-style: chr15-66703397-C-G. GRCh37 (hg19) VCF-style: chr15-66995735-C-G.
Other names: short protein forms P47A.
Identifiers: ClinVar variation 3635765 (VCV003635765.2).
Genomic context (GRCh38, chr15:66,703,397, plus strand): 5'-AGCGGCGGCGGCGGTGGCGGCGACGAGGATGGGAGCTTGGGCAGCCGAGCTGAGCCGGCC[C>G]CGCGGGCAAGAGAGGGCGGAGGCTGCGGCCGCTCCGAAGTCCGCCCGGTAGCCCCGCGGC-3'
Protein context (NP_005576.3, residues 37-57): GSLGSRAEPA[Pro47Ala]RAREGGGCGR